The following is an entry in ClinVar:

ClinVar aggregate classification (germline): Uncertain significance. Review status: criteria provided, multiple submitters, no conflicts (2 of 4 stars). 4 submissions from 4 submitters: Uncertain significance (3). 1 of the submissions does not count toward it. Last evaluated 2025-03-20.

Conditions:
Autosomal recessive limb-girdle muscular dystrophy type 2O. Also called: Limb-Girdle Muscular Dystrophy Type 3C; MUSCULAR DYSTROPHY-DYSTROGLYCANOPATHY, LIMB-GIRDLE, POMGNT1-RELATED; MUSCULAR DYSTROPHY-DYSTROGLYCANOPATHY (LIMB-GIRDLE), TYPE C, 3. Identifiers: Orphanet 206564, MedGen C3150417, MONDO:0013161, OMIM 613157.
Muscular dystrophy-dystroglycanopathy (congenital with impaired intellectual development), type B, 3. Also called: Muscular dystrophy-dystroglycanopathy (congenital with intellectual disability), type B3; MUSCULAR DYSTROPHY, CONGENITAL, POMGNT1-RELATED. Identifiers: MedGen C3150412, MONDO:0013155, OMIM 613151.
Muscle eye brain disease (MEB). Also called: Santavuori congenital muscular dystrophy. Identifiers: Orphanet 588, Orphanet 899, MedGen C0457133, MONDO:0018939.

Allele frequency attached by ClinVar (database versions not stated): TOPMed below 0.00001; gnomAD exomes 0.00001.
gnomAD v4.1: 10 of 1,614,148 alleles (0.00062%); highest among the groups gnomAD compares: Non-Finnish European, 0.00076%; no homozygotes.

Submissions (4):

Revvity Omics, Revvity
Classification: Uncertain significance. Last evaluated: 2025-03-20. Review status: criteria provided, single submitter. Criteria: ACMG Guidelines, 2015. Collection method: clinical testing. Allele origin: germline.

Labcorp Genetics (formerly Invitae), Labcorp
Classification: Uncertain significance for Autosomal recessive limb-girdle muscular dystrophy type 2O; Muscular dystrophy-dystroglycanopathy (congenital with impaired intellectual development), type B, 3. Last evaluated: 2022-06-20. Review status: criteria provided, single submitter. Criteria: Invitae Variant Classification Sherloc (09022015). Collection method: clinical testing. Allele origin: germline.
Comment: This sequence change replaces arginine, which is basic and polar, with tryptophan, which is neutral and slightly polar, at codon 62 of the POMGNT1 protein (p.Arg62Trp). This variant is not present in population databases (gnomAD no frequency). This variant has not been reported in the literature in individuals affected with POMGNT1-related conditions. ClinVar contains an entry for this variant (Variation ID: 661000). Advanced modeling of protein sequence and biophysical properties (such as structural, functional, and spatial information, amino acid conservation, physicochemical variation, residue mobility, and thermodynamic stability) performed at Invitae indicates that this missense variant is not expected to disrupt POMGNT1 protein function. In summary, the available evidence is currently insufficient to determine the role of this variant in disease. Therefore, it has been classified as a Variant of Uncertain Significance.

Blueprint Genetics
Classification: Uncertain significance. Last evaluated: 2021-09-14. Review status: criteria provided, single submitter. Criteria: ACMG Guidelines, 2015. Collection method: clinical testing. Allele origin: germline.

Natera, Inc.
Classification: Uncertain significance for Muscle-eye-brain disease. Last evaluated: 2020-12-23. Review status: no assertion criteria provided. Collection method: clinical testing. Allele origin: germline. Not counted in ClinVar's aggregate classification.

NM_017739.4(POMGNT1):c.184C>T (p.Arg62Trp)

Gene: POMGNT1 (protein O-linked mannose N-acetylglucosaminyltransferase 1 (beta 1,2-); minus strand). Cytogenetic location: 1p34.1.
Variant type: single nucleotide variant.
Coding change: c.184C>T on transcript NM_017739.4 (MANE Select); coding-DNA position 184, C replaced by T.
Protein change: p.Arg62Trp; replaces arginine 62 with tryptophan.
Molecular consequence: missense variant. On other transcripts: 5 prime UTR variant (1).
Genome position (GRCh38, 1-based): chr1:46,197,021, G>A on the plus strand (C>T on the coding strand, the complement: POMGNT1 is on the minus strand). VCF-style: chr1-46197021-G-A. GRCh37 (hg19) VCF-style: chr1-46662693-G-A.
Other names: c.184C>T, p.Arg62Trp (NM_001243766.2, NM_001410783.1); c.118C>T, p.Arg40Trp (NM_001290129.3); c.-246C>T (NM_001290130.2); short protein forms R40W, R62W.
Identifiers: ClinVar variation 661000 (VCV000661000.10), dbSNP rs1352412667, ClinGen allele CA340192065.